The following is an entry in ClinVar:

ClinVar aggregate classification (germline): Uncertain significance. Review status: criteria provided, multiple submitters, no conflicts (2 of 4 stars). 2 submissions from 2 submitters: Uncertain significance (2). Last evaluated 2025-02-13.

Conditions:
Inborn genetic diseases. Identifiers: MedGen C0950123, MeSH D030342.

gnomAD v4.1: 41 of 1,614,064 alleles (0.0025%); highest among the groups gnomAD compares: Non-Finnish European, 0.0033%; no homozygotes.

Submissions (2):

Labcorp Genetics (formerly Invitae), Labcorp
Classification: Uncertain significance. Last evaluated: 2025-02-13. Review status: criteria provided, single submitter. Criteria: Invitae Variant Classification Sherloc (09022015). Collection method: clinical testing. Allele origin: germline.
Comment: This sequence change replaces isoleucine, which is neutral and non-polar, with valine, which is neutral and non-polar, at codon 710 of the DUOX2 protein (p.Ile710Val). This variant is present in population databases (no rsID available, gnomAD 0.002%). This variant has not been reported in the literature in individuals affected with DUOX2-related conditions. Invitae Evidence Modeling of protein sequence and biophysical properties (such as structural, functional, and spatial information, amino acid conservation, physicochemical variation, residue mobility, and thermodynamic stability) indicates that this missense variant is not expected to disrupt DUOX2 protein function with a negative predictive value of 80%. In summary, the available evidence is currently insufficient to determine the role of this variant in disease. Therefore, it has been classified as a Variant of Uncertain Significance.

Ambry Genetics
Classification: Uncertain significance for Inborn genetic diseases. Last evaluated: 2025-02-04. Review status: criteria provided, single submitter. Criteria: Ambry Variant Classification Scheme 2023. Collection method: clinical testing. Allele origin: germline.

NM_001363711.2(DUOX2):c.2128A>G (p.Ile710Val)

Gene: DUOX2 (dual oxidase 2; minus strand). Cytogenetic location: 15q21.1.
Variant type: single nucleotide variant.
Coding change: c.2128A>G on transcript NM_001363711.2 (MANE Select); coding-DNA position 2128, A replaced by G.
Protein change: p.Ile710Val; replaces isoleucine 710 with valine.
Molecular consequence: missense variant.
Genome position (GRCh38, 1-based): chr15:45,106,145, T>C on the plus strand (A>G on the coding strand, the complement: DUOX2 is on the minus strand). VCF-style: chr15-45106145-T-C. GRCh37 (hg19) VCF-style: chr15-45398343-T-C.
Other names: c.2128A>G, p.Ile710Val (NM_014080.5); short protein forms I710V.
Identifiers: ClinVar variation 3842843 (VCV003842843.2).